The following is an entry in ClinVar:

NM_006019.4(TCIRG1):c.854_855del (p.Val285fs)

Gene: TCIRG1 (T cell immune regulator 1, ATPase H+ transporting V0 subunit a3; plus strand). Cytogenetic location: 11q13.2.
Variant type: Deletion.
Coding change: c.854_855del on transcript NM_006019.4 (MANE Select); coding-DNA positions 854 to 855, 2 bases deleted (TG; older notation c.854_855delTG).
Protein change: p.Val285fs; shifts the reading frame from valine 285.
Molecular consequence: frameshift variant. On other transcripts: 5 prime UTR variant (1).
Genome position (GRCh38, 1-based): chr11:68,044,178-68,044,179, TG deleted; deleting any 2 consecutive bases within chr11:68,044,177-68,044,179 gives the same sequence; the c. name uses the placement nearest the transcript's 3' end. VCF-style (leftmost placement, unchanged base first): chr11-68044176-GGT-G. GRCh37 (hg19) VCF-style: chr11-67811643-GGT-G.
Other names: c.-41_-40del (NM_001351059.2); c.206_207del, p.Val69fs (NM_006053.4); short protein forms V69fs, V285fs.
Identifiers: ClinVar variation 2817309 (VCV002817309.3), dbSNP rs2495627084, ClinGen allele CA2695214821.

ClinVar aggregate classification (germline): Pathogenic (1 of 4 stars; one submission).

Submission:

Labcorp Genetics (formerly Invitae), Labcorp
Classification: Pathogenic. Last evaluated: 2025-12-30. Review status: criteria provided, single submitter. Criteria: Invitae Variant Classification Sherloc (09022015). Collection method: clinical testing. Allele origin: germline.
Comment: This sequence change creates a premature translational stop signal (p.Val285Alafs*204) in the TCIRG1 gene. It is expected to result in an absent or disrupted protein product. Loss-of-function variants in TCIRG1 are known to be pathogenic (PMID: 10888887, 10942435, 11532986, 19448635). This variant is not present in population databases (gnomAD no frequency). This premature translational stop signal has been observed in individual(s) with osteopetrosis (PMID: 34753502). ClinVar contains an entry for this variant (Variation ID: 2817309). For these reasons, this variant has been classified as Pathogenic.

Literature cited by the submitters: PubMed 10888887; PubMed 10942435; PubMed 11532986; PubMed 19448635; PubMed 34753502.